The following is an entry in ClinVar:

NM_207352.4(CYP4V2):c.988-1G>A

Gene: CYP4V2 (cytochrome P450 family 4 subfamily V member 2; plus strand). Cytogenetic location: 4q35.2.
Variant type: single nucleotide variant.
Coding change: c.988-1G>A on transcript NM_207352.4 (MANE Select); the canonical splice acceptor site of the intron before coding-DNA position 988, G replaced by A.
Molecular consequence: splice acceptor variant.
Genome position (GRCh38, 1-based): chr4:186,205,199, G>A. VCF-style: chr4-186205199-G-A. GRCh37 (hg19) VCF-style: chr4-187126353-G-A.
Identifiers: ClinVar variation 1067395 (VCV001067395.9), dbSNP rs1013053543, ClinGen allele CA112131580.
Genomic context (GRCh38, chr4:186,205,199, plus strand): 5'-GTCACTCCTAATCATCGCAGCATAACTCTGCTTTTTAAGCTATTGTTTTCTGCATTTGTA[G>A]GGGCACGATACAACTGCAGCTGCAATAAACTGGTCCTTATACCTGTTGGGTTCTAACCCA-3'

ClinVar aggregate classification (germline): Pathogenic (1 of 4 stars; one submission).

Allele frequency attached by ClinVar (database versions not stated): gnomAD exomes below 0.00001; gnomAD 0.00001; TOPMed 0.00001.
gnomAD v4.1: 4 of 1,613,976 alleles (0.00025%); highest among the groups gnomAD compares: African/African-American, 0.0053%; no homozygotes.

Submission:

Labcorp Genetics (formerly Invitae), Labcorp
Classification: Pathogenic. Last evaluated: 2022-10-28. Review status: criteria provided, single submitter. Criteria: Invitae Variant Classification Sherloc (09022015). Collection method: clinical testing. Allele origin: germline.
Comment: This sequence change affects an acceptor splice site in intron 7 of the CYP4V2 gene. It is expected to disrupt RNA splicing. Variants that disrupt the donor or acceptor splice site typically lead to a loss of protein function (PMID: 16199547), and loss-of-function variants in CYP4V2 are known to be pathogenic (PMID: 15042513, 25118264). This variant is not present in population databases (gnomAD no frequency). Disruption of this splice site has been observed in individual(s) with Bietti crystalline dystrophy (Invitae). ClinVar contains an entry for this variant (Variation ID: 1067395). Algorithms developed to predict the effect of sequence changes on RNA splicing suggest that this variant may disrupt the consensus splice site. For these reasons, this variant has been classified as Pathogenic.

Literature cited by the submitters: PubMed 16199547; PubMed 15042513; PubMed 25118264.